The following is an entry in ClinVar:

NM_021930.6(RINT1):c.1795T>G (p.Leu599Val)

Gene: RINT1 (RAD50 interactor 1; plus strand). Cytogenetic location: 7q22.3.
Variant type: single nucleotide variant.
Coding change: c.1795T>G on transcript NM_021930.6 (MANE Select); coding-DNA position 1795, T replaced by G.
Protein change: p.Leu599Val; replaces leucine 599 with valine.
Molecular consequence: missense variant. On other transcripts: non-coding transcript variant (1).
Genome position (GRCh38, 1-based): chr7:105,563,856, T>G. VCF-style: chr7-105563856-T-G. GRCh37 (hg19) VCF-style: chr7-105204303-T-G.
Other names: c.1561T>G, p.Leu521Val (NM_001346599.2); c.772T>G, p.Leu258Val (NM_001346600.2, NM_001346603.2); c.871T>G, p.Leu291Val (NM_001346601.2); short protein forms L291V, L258V, L521V, L599V.
Identifiers: ClinVar variation 4154626 (VCV004154626.1).

ClinVar aggregate classification (germline): Uncertain significance (1 of 4 stars; one submission).

Submission:

Ambry Genetics
Classification: Uncertain significance. Last evaluated: 2025-08-25. Review status: criteria provided, single submitter. Criteria: Ambry Variant Classification Scheme 2023. Collection method: clinical testing. Allele origin: germline.
Comment: The p.L599V variant (also known as c.1795T>G), located in coding exon 12 of the RINT1 gene, results from a T to G substitution at nucleotide position 1795. The leucine at codon 599 is replaced by valine, an amino acid with highly similar properties. This amino acid position is conserved. In addition, the in silico prediction for this alteration is inconclusive. Based on the available evidence, the clinical significance of this variant remains unclear.